The following is an entry in ClinVar:

NM_001267550.2(TTN):c.20874G>A (p.Thr6958=)

Genes: TTN (titin; minus strand), LOC126806428 (BRD4-independent group 4 enhancer GRCh37_chr2:179588362-179589561; plus strand). Cytogenetic location: 2q31.2.
Variant type: single nucleotide variant.
Coding change: c.20874G>A on transcript NM_001267550.2 (MANE Select); coding-DNA position 20874, G replaced by A.
Protein change: p.Thr6958=; no amino-acid change (threonine 6958 retained).
Molecular consequence: synonymous variant. On other transcripts: intron variant (3).
Genome position (GRCh38, 1-based): chr2:178,724,501, C>T on the plus strand (G>A on the coding strand, the complement: TTN is on the minus strand). VCF-style: chr2-178724501-C-T. GRCh37 (hg19) VCF-style: chr2-179589228-C-T.
Other names: c.20874G>A (NM_001267550.1); c.19923G>A, p.Thr6641= (NM_001256850.1); c.17142G>A, p.Thr5714= (NM_133378.4); c.13282+13581G>A (NM_003319.4); c.13858+13581G>A (NM_133437.4); c.13657+13581G>A (NM_133432.3).
Identifiers: ClinVar variation 681986 (VCV000681986.38), dbSNP rs765956215, ClinGen allele CA2001120.

ClinVar aggregate classification (germline): Benign/Likely benign. Review status: criteria provided, multiple submitters, no conflicts (2 of 4 stars). 9 submissions from 6 submitters: Benign (5); Likely benign (4). Last evaluated 2025-12-31.

Conditions:
Early-onset myopathy with fatal cardiomyopathy (CMYO5). Also called: Salih Myopathy; CONGENITAL MYOPATHY 5 WITH CARDIOMYOPATHY. Identifiers: Orphanet 289377, MedGen C2673677, MONDO:0012714, OMIM 611705. Disease mechanism: loss of function.
Tibial muscular dystrophy (TMD). Also called: UDD MYOPATHY; Tibial muscular dystrophy, tardive; Udd Distal Myopathy – Tibial Muscular Dystrophy. Identifiers: Orphanet 609, MedGen C1838244, MONDO:0010870, OMIM 600334.
Autosomal recessive limb-girdle muscular dystrophy type 2J (LGMDR10). Also called: Limb-girdle muscular dystrophy, type 2J; MUSCULAR DYSTROPHY, LIMB-GIRDLE, AUTOSOMAL RECESSIVE 10. Identifiers: Orphanet 140922, MedGen C1837342, MONDO:0012127, OMIM 608807.
Myopathy, myofibrillar, 9, with early respiratory failure (MFM9). Also called: Hereditary myopathy with early respiratory failure; Myopathy, distal, with early respiratory failure, autosomal dominant; MYOPATHY, PROXIMAL, WITH EARLY RESPIRATORY MUSCLE INVOLVEMENT; EDSTROM MYOPATHY. Identifiers: Orphanet 178464, Orphanet 34521, MedGen C1863599, MONDO:0011362, OMIM 603689.
TTN-related disorder. Also called: TTN-related disorders; TTN-related condition; TTN-related disease.
Dilated cardiomyopathy 1G (CMD1G). Identifiers: Orphanet 154, MedGen C1858763, MONDO:0011400, OMIM 604145.

Allele frequency attached by ClinVar (database versions not stated): ExAC 0.00003; gnomAD 0.00003 and 0.00004; TOPMed 0.00003.
gnomAD v4.1: 23 of 1,606,628 alleles (0.0014%); highest among the groups gnomAD compares: East Asian, 0.02%; no homozygotes.

Submissions (9):

Labcorp Genetics (formerly Invitae), Labcorp
Classification: Likely benign for Dilated cardiomyopathy 1G; Autosomal recessive limb-girdle muscular dystrophy type 2J. Last evaluated: 2025-12-31. Review status: criteria provided, single submitter. Criteria: Invitae Variant Classification Sherloc (09022015). Collection method: clinical testing. Allele origin: germline.

PreventionGenetics, part of Exact Sciences
Classification: Likely benign for TTN-related condition. Last evaluated: 2025-09-19. Review status: criteria provided, single submitter. Criteria: ACMG Guidelines, 2015. Collection method: clinical testing. Allele origin: germline.
Comment: This variant is classified as likely benign based on ACMG/AMP sequence variant interpretation guidelines (Richards et al. 2015 PMID: 25741868, with internal and published modifications).

CeGaT Center for Human Genetics Tuebingen
Classification: Likely benign. Last evaluated: 2024-02-01. Review status: criteria provided, single submitter. Criteria: CeGaT Center For Human Genetics Tuebingen Variant Classification Criteria Version 2. Collection method: clinical testing. Allele origin: germline. Affected: yes. Observed: 1 variant allele.
Comment: TTN: BP4, BP7

Genome-Nilou Lab
Classification: Benign for Autosomal recessive limb-girdle muscular dystrophy type 2J. Last evaluated: 2021-09-10. Review status: criteria provided, single submitter. Criteria: ACMG Guidelines, 2015. Collection method: clinical testing. Allele origin: germline. Affected: no.

Genome-Nilou Lab
Classification: Benign for Myopathy, myofibrillar, 9, with early respiratory failure. Last evaluated: 2021-09-10. Review status: criteria provided, single submitter. Criteria: ACMG Guidelines, 2015. Collection method: clinical testing. Allele origin: germline. Affected: no.

Genome-Nilou Lab
Classification: Benign for Early-onset myopathy with fatal cardiomyopathy. Last evaluated: 2021-09-10. Review status: criteria provided, single submitter. Criteria: ACMG Guidelines, 2015. Collection method: clinical testing. Allele origin: germline. Affected: no.

Genome-Nilou Lab
Classification: Benign for Tibial muscular dystrophy. Last evaluated: 2021-09-10. Review status: criteria provided, single submitter. Criteria: ACMG Guidelines, 2015. Collection method: clinical testing. Allele origin: germline. Affected: no.

Athena Diagnostics
Classification: Benign. Last evaluated: 2021-05-05. Review status: criteria provided, single submitter. Criteria: Athena Diagnostics criteria. Collection method: clinical testing. Allele origin: unknown.

GeneDx
Classification: Likely benign. Last evaluated: 2018-04-27. Review status: criteria provided, single submitter. Criteria: GeneDx Variant Classification (06012015). Collection method: clinical testing. Allele origin: germline. Affected: yes.
Comment: This variant is considered likely benign or benign based on one or more of the following criteria: it is a conservative change, it occurs at a poorly conserved position in the protein, it is predicted to be benign by multiple in silico algorithms, and/or has population frequency not consistent with disease.